The following is an entry in ClinVar:

NM_002907.4(RECQL):c.439C>G (p.Gln147Glu)

Gene: RECQL (RecQ like helicase; minus strand). Cytogenetic location: 12p12.1.
Variant type: single nucleotide variant.
Coding change: c.439C>G on transcript NM_002907.4 (MANE Select); coding-DNA position 439, C replaced by G.
Protein change: p.Gln147Glu; replaces glutamine 147 with glutamic acid.
Molecular consequence: missense variant.
Genome position (GRCh38, 1-based): chr12:21,486,541, G>C on the plus strand (C>G on the coding strand, the complement: RECQL is on the minus strand). VCF-style: chr12-21486541-G-C. GRCh37 (hg19) VCF-style: chr12-21639475-G-C.
Other names: c.439C>G, p.Gln147Glu (NM_032941.3); short protein forms Q147E.
Identifiers: ClinVar variation 1740277 (VCV001740277.2), dbSNP rs2540387101, ClinGen allele CA384130206.
Genomic context (GRCh38, chr12:21,486,541, plus strand): 5'-TAGAACTAGAAGCATTTAACATGGTTGCTGAAATTCCTAATTGTTTTAAAACCATTAATT[G>C]GTCTTCCATAAGAGAGATCAATGGGCAAATGACGAGTGTAAAACCTAAAAGAGAAAAAAA-3'
Protein context (NP_002898.2, residues 137-157): ICPLISLMED[Gln147Glu]LMVLKQLGIS

ClinVar aggregate classification (germline): Uncertain significance (1 of 4 stars; one submission).

Submission:

Ambry Genetics
Classification: Uncertain significance. Last evaluated: 2022-04-12. Review status: criteria provided, single submitter. Criteria: Ambry Variant Classification Scheme 2023. Collection method: clinical testing. Allele origin: germline.
Comment: The p.Q147E variant (also known as c.439C>G), located in coding exon 4 of the RECQL gene, results from a C to G substitution at nucleotide position 439. The glutamine at codon 147 is replaced by glutamic acid, an amino acid with highly similar properties. This amino acid position is highly conserved in available vertebrate species. In addition, this alteration is predicted to be deleterious by in silico analysis. The evidence for this gene-disease relationship is limited; therefore, the clinical significance of this alteration is unclear.